The following is an entry in ClinVar:

ClinVar aggregate classification (germline): Uncertain significance (1 of 4 stars; one submission).

Conditions:
Multiple endocrine neoplasia, type 2 (MEN2). Identifiers: Orphanet 653, MedGen C4048306, MONDO:0019003. Disease mechanism: gain of function.

gnomAD v4.1: 2 of 1,571,834 alleles (0.00013%); highest among the groups gnomAD compares: Non-Finnish European, 0.00017%; no homozygotes.

Submission:

Labcorp Genetics (formerly Invitae), Labcorp
Classification: Uncertain significance for Multiple endocrine neoplasia, type 2. Last evaluated: 2024-03-20. Review status: criteria provided, single submitter. Criteria: Invitae Variant Classification Sherloc (09022015). Collection method: clinical testing. Allele origin: germline.
Comment: This sequence change replaces arginine, which is basic and polar, with leucine, which is neutral and non-polar, at codon 215 of the RET protein (p.Arg215Leu). The frequency data for this variant in the population databases is considered unreliable, as metrics indicate poor data quality at this position in the gnomAD database. This missense change has been observed in individual(s) with RET-related conditions (PMID: 31510104). ClinVar contains an entry for this variant (Variation ID: 961395). An algorithm developed to predict the effect of missense changes on protein structure and function (PolyPhen-2) suggests that this variant is likely to be tolerated. In summary, the available evidence is currently insufficient to determine the role of this variant in disease. Therefore, it has been classified as a Variant of Uncertain Significance.

Literature cited by the submitters: PubMed 31510104.

NM_020975.6(RET):c.644G>T (p.Arg215Leu)

Gene: RET (ret proto-oncogene; plus strand). Cytogenetic location: 10q11.21.
Variant type: single nucleotide variant.
Coding change: c.644G>T on transcript NM_020975.6 (MANE Select); coding-DNA position 644, G replaced by T.
Protein change: p.Arg215Leu; replaces arginine 215 with leucine.
Molecular consequence: missense variant.
Genome position (GRCh38, 1-based): chr10:43,104,970, G>T. VCF-style: chr10-43104970-G-T. GRCh37 (hg19) VCF-style: chr10-43600418-G-T.
Other names: c.644G>T, p.Arg215Leu (NM_000323.2, NM_001406743.1, NM_001406744.1 and 8 more transcripts); c.-119G>T (NM_001355216.2); c.515G>T, p.Arg172Leu (NM_001406761.1, NM_001406762.1, NM_001406764.1 and 2 more transcripts); c.356G>T, p.Arg119Leu (NM_001406766.1, NM_001406767.1, NM_001406770.1); short protein forms R215L, R119L, R172L.
Identifiers: ClinVar variation 961395 (VCV000961395.10), dbSNP rs748128929, ClinGen allele CA044424.
Genomic context (GRCh38, chr10:43,104,970, plus strand): 5'-CGGCTGGTGATCACGCGGGGCCCCTGTCTGCTTGGTGCGCAGGTGAGGGTCTGCCCTTCC[G>T]CTGCGCCCCGGACAGCCTGGAGGTGAGCACGCGCTGGGCCCTGGACCGCGAGCAGCGGGA-3'
Protein context (NP_066124.1, residues 205-225): RLLEGEGLPF[Arg215Leu]CAPDSLEVST